The following is an entry in ClinVar:

ClinVar aggregate classification (germline): Uncertain significance (1 of 4 stars; one submission).

Allele frequency attached by ClinVar (database versions not stated): ExAC 0.00001.
gnomAD v4.1: 34 of 1,610,986 alleles (0.0021%); highest among the groups gnomAD compares: Non-Finnish European, 0.0027%; no homozygotes.

Submission:

Labcorp Genetics (formerly Invitae), Labcorp
Classification: Uncertain significance. Last evaluated: 2025-06-10. Review status: criteria provided, single submitter. Criteria: Invitae Variant Classification Sherloc (09022015). Collection method: clinical testing. Allele origin: germline.
Comment: This sequence change replaces aspartic acid, which is acidic and polar, with glycine, which is neutral and non-polar, at codon 56 of the IL6ST protein (p.Asp56Gly). This variant is present in population databases (rs779377073, gnomAD 0.004%). This variant has not been reported in the literature in individuals affected with IL6ST-related conditions. ClinVar contains an entry for this variant (Variation ID: 1922983). An algorithm developed to predict the effect of missense changes on protein structure and function (PolyPhen-2) suggests that this variant is likely to be tolerated. In summary, the available evidence is currently insufficient to determine the role of this variant in disease. Therefore, it has been classified as a Variant of Uncertain Significance.

NM_002184.4(IL6ST):c.167A>G (p.Asp56Gly)

Gene: IL6ST (interleukin 6 cytokine family signal transducer; minus strand). Cytogenetic location: 5q11.2.
Variant type: single nucleotide variant.
Coding change: c.167A>G on transcript NM_002184.4 (MANE Select); coding-DNA position 167, A replaced by G.
Protein change: p.Asp56Gly; replaces aspartic acid 56 with glycine.
Molecular consequence: missense variant. On other transcripts: 5 prime UTR variant (3), non-coding transcript variant (2), intron variant (1).
Genome position (GRCh38, 1-based): chr5:55,969,753, T>C on the plus strand (A>G on the coding strand, the complement: IL6ST is on the minus strand). VCF-style: chr5-55969753-T-C. GRCh37 (hg19) VCF-style: chr5-55265581-T-C.
Other names: c.167A>G, p.Asp56Gly (NM_001190981.2, NM_001364275.2, NM_175767.3); c.-626A>G (NM_001364277.2, NM_001364279.2); c.-616A>G (NM_001364278.2); c.160+7A>G (NM_001364276.2); short protein forms D56G.
Identifiers: ClinVar variation 1922983 (VCV001922983.5), dbSNP rs779377073, ClinGen allele CA3271757.